The following is an entry in ClinVar:

NM_000455.5(STK11):c.988G>A (p.Asp330Asn)

Genes: STK11 (serine/threonine kinase 11; plus strand), LOC130062899 (ATAC-STARR-seq lymphoblastoid active region 13597; plus strand). Cytogenetic location: 19p13.3.
Variant type: single nucleotide variant.
Coding change: c.988G>A on transcript NM_000455.5 (MANE Select); coding-DNA position 988, G replaced by A.
Protein change: p.Asp330Asn; replaces aspartic acid 330 with asparagine.
Molecular consequence: missense variant. On other transcripts: non-coding transcript variant (1).
Genome position (GRCh38, 1-based): chr19:1,223,052, G>A. VCF-style: chr19-1223052-G-A. GRCh37 (hg19) VCF-style: chr19-1223051-G-A.
Other names: c.988G>A, p.Asp330Asn (NM_001407255.1); short protein forms D330N.
Identifiers: ClinVar variation 2586612 (VCV002586612.5), dbSNP rs2145430883, ClinGen allele CA402951628.
Genomic context (GRCh38, chr19:1,223,052, plus strand): 5'-CGGAAGAAACATCCTCCGGCTGAAGCACCAGTGCCCATCCCACCGAGCCCAGACACCAAG[G>A]ACCGGTGGCGCAGCATGACTGTGGTGCCGTACTTGGAGGACCTGCACGGCGCGGACGAGG-3'
Protein context (NP_000446.1, residues 320-340): VPIPPSPDTK[Asp330Asn]RWRSMTVVPY

ClinVar aggregate classification (germline): Uncertain significance. Review status: criteria provided, multiple submitters, no conflicts (2 of 4 stars). 2 submissions from 2 submitters: Uncertain significance (2). Last evaluated 2025-10-28.

Conditions:
Peutz-Jeghers syndrome (PJS). Also called: Peutz-Jeghers polyposis; Periorificial lentiginosis syndrome; POLYPOSIS, HAMARTOMATOUS INTESTINAL; POLYPS-AND-SPOTS SYNDROME. Identifiers: Orphanet 2869, MedGen C0031269, MeSH D010580, MONDO:0008280, OMIM 175200.
Hereditary cancer-predisposing syndrome. Also called: Tumor predisposition; Neoplastic Syndromes, Hereditary; Hereditary Cancer Syndrome; Hereditary neoplastic syndrome. Identifiers: Orphanet 140162, MedGen C0027672, MeSH D009386, MONDO:0015356.

Submissions (2):

Ambry Genetics
Classification: Uncertain significance for Hereditary cancer-predisposing syndrome. Last evaluated: 2025-10-28. Review status: criteria provided, single submitter. Criteria: Ambry Variant Classification Scheme 2023. Collection method: clinical testing. Allele origin: germline.
Comment: The p.D330N variant (also known as c.988G>A), located in coding exon 8 of the STK11 gene, results from a G to A substitution at nucleotide position 988. The aspartic acid at codon 330 is replaced by asparagine, an amino acid with highly similar properties. This amino acid position is highly conserved in available vertebrate species. In addition, this alteration is predicted to be tolerated by in silico analysis. Based on the available evidence, the clinical significance of this variant remains unclear.

Labcorp Genetics (formerly Invitae), Labcorp
Classification: Uncertain significance for Peutz-Jeghers syndrome. Last evaluated: 2025-01-07. Review status: criteria provided, single submitter. Criteria: Invitae Variant Classification Sherloc (09022015). Collection method: clinical testing. Allele origin: germline.
Comment: This sequence change replaces aspartic acid, which is acidic and polar, with asparagine, which is neutral and polar, at codon 330 of the STK11 protein (p.Asp330Asn). This variant is not present in population databases (gnomAD no frequency). This variant has not been reported in the literature in individuals affected with STK11-related conditions. ClinVar contains an entry for this variant (Variation ID: 2586612). Invitae Evidence Modeling of protein sequence and biophysical properties (such as structural, functional, and spatial information, amino acid conservation, physicochemical variation, residue mobility, and thermodynamic stability) indicates that this missense variant is not expected to disrupt STK11 protein function with a negative predictive value of 95%. In summary, the available evidence is currently insufficient to determine the role of this variant in disease. Therefore, it has been classified as a Variant of Uncertain Significance.